The following is an entry in ClinVar:

ClinVar aggregate classification (germline): Likely benign. Review status: criteria provided, multiple submitters, no conflicts (2 of 4 stars). 2 submissions from 2 submitters: Likely benign (2). Last evaluated 2023-12-15.

Allele frequency attached by ClinVar (database versions not stated): gnomAD exomes 0.00001; ExAC 0.00003; gnomAD 0.00004 and 0.00005; TOPMed 0.00006; 1000 Genomes Project 30x 0.00016; 1000 Genomes Project 0.00020.
gnomAD v4.1: 9 of 1,564,098 alleles (0.00058%); highest among the groups gnomAD compares: African/African-American, 0.011%; no homozygotes.

Submissions (2):

Labcorp Genetics (formerly Invitae), Labcorp
Classification: Likely benign. Last evaluated: 2023-12-15. Review status: criteria provided, single submitter. Criteria: Invitae Variant Classification Sherloc (09022015). Collection method: clinical testing. Allele origin: germline.

Laboratory for Molecular Medicine, Mass General Brigham Personalized Medicine
Classification: Likely benign. Last evaluated: 2014-04-04. Review status: criteria provided, single submitter. Criteria: LMM Criteria. Collection method: clinical testing. Allele origin: germline. Observed: 1 variant allele.
Comment: Gln1978Gln in exon 26 of MYO15A: This variant is not expected to have clinical s ignificance because it does not alter an amino acid residue and is not located w ithin the splice consensus sequence.

NM_016239.4(MYO15A):c.5934G>A (p.Gln1978=)

Gene: MYO15A (myosin XVA; plus strand). Cytogenetic location: 17p11.2.
Variant type: single nucleotide variant.
Coding change: c.5934G>A on transcript NM_016239.4 (MANE Select); coding-DNA position 5934, G replaced by A.
Protein change: p.Gln1978=; no amino-acid change (glutamine 1978 retained).
Molecular consequence: synonymous variant.
Genome position (GRCh38, 1-based): chr17:18,143,589, G>A. VCF-style: chr17-18143589-G-A. GRCh37 (hg19) VCF-style: chr17-18046903-G-A.
Identifiers: ClinVar variation 179681 (VCV000179681.10), dbSNP rs542354280, ClinGen allele CA184921.